The following is an entry in ClinVar:

NM_001267550.2(TTN):c.67994G>A (p.Trp22665Ter)

Genes: TTN (titin; minus strand), TTN-AS1 (TTN antisense RNA 1; plus strand), LOC126806423 (CDK7 strongly-dependent group 2 enhancer GRCh37_chr2:179443309-179444508; plus strand). Cytogenetic location: 2q31.2.
Variant type: single nucleotide variant.
Coding change: c.67994G>A on transcript NM_001267550.2 (MANE Select); coding-DNA position 67994, G replaced by A.
Protein change: p.Trp22665Ter; replaces tryptophan 22665 with a stop codon.
Molecular consequence: nonsense.
Genome position (GRCh38, 1-based): chr2:178,579,036, C>T on the plus strand (G>A on the coding strand, the complement: TTN is on the minus strand). VCF-style: chr2-178579036-C-T. GRCh37 (hg19) VCF-style: chr2-179443763-C-T.
Other names: c.63071G>A, p.Trp21024Ter (NM_001256850.1); c.40799G>A, p.Trp13600Ter (NM_003319.4); c.60290G>A, p.Trp20097Ter (NM_133378.4); c.41174G>A, p.Trp13725Ter (NM_133432.3); c.41375G>A, p.Trp13792Ter (NM_133437.4); short protein forms W13600*, W20097*, W13725*, W13792*, W21024*, W22665*.
Identifiers: ClinVar variation 2950024 (VCV002950024.3), dbSNP rs2468865585, ClinGen allele CA349422153.

ClinVar aggregate classification (germline): Likely pathogenic (1 of 4 stars; one submission).

Conditions:
Dilated cardiomyopathy 1G (CMD1G). Identifiers: Orphanet 154, MedGen C1858763, MONDO:0011400, OMIM 604145.
Autosomal recessive limb-girdle muscular dystrophy type 2J (LGMDR10). Also called: Limb-girdle muscular dystrophy, type 2J; MUSCULAR DYSTROPHY, LIMB-GIRDLE, AUTOSOMAL RECESSIVE 10. Identifiers: Orphanet 140922, MedGen C1837342, MONDO:0012127, OMIM 608807.

Submission:

Labcorp Genetics (formerly Invitae), Labcorp
Classification: Likely pathogenic for Dilated cardiomyopathy 1G; Autosomal recessive limb-girdle muscular dystrophy type 2J. Last evaluated: 2023-07-18. Review status: criteria provided, single submitter. Criteria: Invitae Variant Classification Sherloc (09022015). Collection method: clinical testing. Allele origin: germline.
Comment: In summary, the currently available evidence indicates that the variant is pathogenic, but additional data are needed to prove that conclusively. Therefore, this variant has been classified as Likely Pathogenic. This sequence change creates a premature translational stop signal (p.Trp22665*) in the TTN gene. While this is not anticipated to result in nonsense mediated decay, it is expected to create a truncated TTN protein. This variant is not present in population databases (gnomAD no frequency). This variant has not been reported in the literature in individuals affected with TTN-related conditions. This variant is located in the A band of TTN (PMID: 25589632). Truncating variants in this region are significantly overrepresented in patients affected with dilated cardiomyopathy (PMID: 25589632). Truncating variants in this region have also been reported in individuals affected with autosomal recessive centronuclear myopathy (PMID: 23975875).

Literature cited by the submitters: PubMed 25589632; PubMed 23975875.